The following is an entry in ClinVar:

NM_000037.4(ANK1):c.5447C>T (p.Thr1816Met)

Gene: ANK1 (ankyrin 1; minus strand). Cytogenetic location: 8p11.21.
Variant type: single nucleotide variant.
Coding change: c.5447C>T on transcript NM_000037.4 (MANE Select); coding-DNA position 5447, C replaced by T.
Protein change: p.Thr1816Met; replaces threonine 1816 with methionine.
Molecular consequence: missense variant.
Genome position (GRCh38, 1-based): chr8:41,663,690, G>A on the plus strand (C>T on the coding strand, the complement: ANK1 is on the minus strand). VCF-style: chr8-41663690-G-A. GRCh37 (hg19) VCF-style: chr8-41521208-G-A.
Other names: c.272C>T, p.Thr91Met (NM_001142445.2, NM_020478.5, NM_020480.5); c.5570C>T, p.Thr1857Met (NM_001142446.2); c.5447C>T, p.Thr1816Met (NM_020475.3, NM_020476.3); c.4961C>T, p.Thr1654Met (NM_020477.3); short protein forms T1654M, T1816M, T1857M, T91M.
Identifiers: ClinVar variation 1306508 (VCV001306508.2), dbSNP rs778838145, ClinGen allele CA4727185.

ClinVar aggregate classification (germline): Uncertain significance (1 of 4 stars; one submission).

Allele frequency attached by ClinVar (database versions not stated): ExAC 0.00004; gnomAD exomes 0.00006 and 0.00011; gnomAD 0.00007 and 0.00008; TOPMed 0.00011.
gnomAD v4.1: 171 of 1,613,940 alleles (0.011%); highest among the groups gnomAD compares: Middle Eastern, 0.016%; no homozygotes.

Submission:

GeneDx
Classification: Uncertain significance. Last evaluated: 2019-06-14. Review status: criteria provided, single submitter. Criteria: GeneDx Variant Classification Process June 2021. Collection method: clinical testing. Allele origin: germline. Affected: yes.
Comment: In silico analysis, which includes protein predictors and evolutionary conservation, supports a deleterious effect; Has not been previously published as pathogenic or benign to our knowledge